The following is an entry in ClinVar:

ClinVar aggregate classification (germline): Uncertain significance (0 of 4 stars; one submission).

Conditions:
Situs inversus. Also called: Situs inversus totalis. Identifiers: Orphanet 101063, MedGen C4551493, MONDO:0010029, HP:0001696.
Bronchiectasis. Identifiers: MedGen C0006267, MONDO:0004822, HP:0002110.
Male infertility. Identifiers: MedGen C0021364, MeSH D007248, MONDO:0005372, HP:0003251.
Recurrent sinusitis. Identifiers: MedGen C0581354, HP:0011108.

Submission:

Research Unit of Respiratory Disease, The Second Xiangya Hospital of Central South University
Classification: Uncertain significance for Male infertility; Situs inversus; Bronchiectasis; Recurrent sinusitis. Last evaluated: 2020-10-19. Review status: no assertion criteria provided. Collection method: research. Allele origin: paternal. Inheritance: Autosomal recessive inheritance. Affected: yes. Observed: 1 variant allele, 1 homozygote.
Comment: Whole exome and Sanger sequencing identified a homozygous missense variant (NM_018963.5:1016T>C, p.(Leu339Ser) in the BRWD1 gene in a consanguineous family. The variant was absent in the 1000 Genomes Project (1000G), the NHLBI "Grand Opportunity" Exome Sequencing Project (GO-ESP). The two variants were predicted to be deleterious by Mutation taster, SIFT, PolyPhen-2, and CADD (PHRED-scaled score = 28.5). According to the American College of Medical Genetics and Genomics (ACMG) guideline interpretation, this missense variant in BRWD1 was evaluated as uncertain significance. This is the first report of BRWD1 gene links to the MMAF and likely PCD phenotype.

NM_033656.4(BRWD1):c.1016T>C (p.Leu339Ser)

Gene: BRWD1 (bromodomain and WD repeat domain containing 1; minus strand). Cytogenetic location: 21q22.2.
Variant type: single nucleotide variant.
Coding change: c.1016T>C on transcript NM_033656.4 (MANE Select); coding-DNA position 1016, T replaced by C.
Protein change: p.Leu339Ser; replaces leucine 339 with serine.
Molecular consequence: missense variant.
Genome position (GRCh38, 1-based): chr21:39,277,339, A>G on the plus strand (T>C on the coding strand, the complement: BRWD1 is on the minus strand). VCF-style: chr21-39277339-A-G. GRCh37 (hg19) VCF-style: chr21-40649265-A-G.
Other names: c.1016T>C, p.Leu339Ser (NM_018963.5); short protein forms L339S.
Identifiers: ClinVar variation 982514 (VCV000982514.2), dbSNP rs2146693248, ClinGen allele CA410277975.